The following is an entry in ClinVar:

ClinVar aggregate classification (germline): Likely benign (1 of 4 stars; one submission).

Conditions:
GPBAR1-related disorder. Also called: GPBAR1-related condition.

Submission:

PreventionGenetics, part of Exact Sciences
Classification: Likely benign for GPBAR1-related condition. Last evaluated: 2025-07-28. Review status: criteria provided, single submitter. Criteria: ACMG Guidelines, 2015. Collection method: clinical testing. Allele origin: germline.
Comment: This variant is classified as likely benign based on ACMG/AMP sequence variant interpretation guidelines (Richards et al. 2015 PMID: 25741868, with internal and published modifications).

NM_170699.3(GPBAR1):c.582C>A (p.Arg194=)

Gene: GPBAR1 (G protein-coupled bile acid receptor 1; plus strand). Cytogenetic location: 2q35.
Variant type: single nucleotide variant.
Coding change: c.582C>A on transcript NM_170699.3 (MANE Select); coding-DNA position 582, C replaced by A.
Protein change: p.Arg194=; no amino-acid change (arginine 194 retained).
Molecular consequence: synonymous variant.
Genome position (GRCh38, 1-based): chr2:218,263,306, C>A. VCF-style: chr2-218263306-C-A. GRCh37 (hg19) VCF-style: chr2-219128029-C-A.
Other names: c.582C>A, p.Arg194= (NM_001077191.2, NM_001077194.2, NM_001321950.2).
Identifiers: ClinVar variation 5000792 (VCV005000792.1).